The following is an entry in ClinVar:

NM_001844.5(COL2A1):c.763-2A>G

Gene: COL2A1 (collagen type II alpha 1 chain; minus strand). Cytogenetic location: 12q13.11.
Variant type: single nucleotide variant.
Coding change: c.763-2A>G on transcript NM_001844.5 (MANE Select); the canonical splice acceptor site of the intron before coding-DNA position 763, A replaced by G.
Molecular consequence: splice acceptor variant.
Genome position (GRCh38, 1-based): chr12:47,994,479, T>C on the plus strand (A>G on the coding strand, the complement: COL2A1 is on the minus strand). VCF-style: chr12-47994479-T-C. GRCh37 (hg19) VCF-style: chr12-48388262-T-C.
Other names: c.556-2A>G (NM_033150.3).
Identifiers: ClinVar variation 3721132 (VCV003721132.2).

ClinVar aggregate classification (germline): Pathogenic (1 of 4 stars; one submission).

Submission:

Labcorp Genetics (formerly Invitae), Labcorp
Classification: Pathogenic. Last evaluated: 2024-11-13. Review status: criteria provided, single submitter. Criteria: Invitae Variant Classification Sherloc (09022015). Collection method: clinical testing. Allele origin: germline.
Comment: This sequence change affects an acceptor splice site in intron 11 of the COL2A1 gene. It is expected to disrupt RNA splicing. Variants that disrupt the donor or acceptor splice site typically lead to a loss of protein function (PMID: 16199547), and loss-of-function variants in COL2A1 are known to be pathogenic (PMID: 20179744). This variant is not present in population databases (gnomAD no frequency). Disruption of this splice site has been observed in individual(s) with clinical features of COL2A1-related conditions and/or Stickler syndrome (PMID: 22791362; internal data). In at least one individual the variant was observed to be de novo. Algorithms developed to predict the effect of sequence changes on RNA splicing suggest that this variant may disrupt the consensus splice site. For these reasons, this variant has been classified as Pathogenic.

Literature cited by the submitters: PubMed 16199547; PubMed 20179744; PubMed 22791362.